The following is an entry in ClinVar:

NM_000540.3(RYR1):c.4765C>A (p.Gln1589Lys)

Gene: RYR1 (ryanodine receptor 1; plus strand). Cytogenetic location: 19q13.2.
Variant type: single nucleotide variant.
Coding change: c.4765C>A on transcript NM_000540.3 (MANE Select); coding-DNA position 4765, C replaced by A.
Protein change: p.Gln1589Lys; replaces glutamine 1589 with lysine.
Molecular consequence: missense variant.
Genome position (GRCh38, 1-based): chr19:38,483,347, C>A. VCF-style: chr19-38483347-C-A. GRCh37 (hg19) VCF-style: chr19-38973987-C-A.
Other names: c.4765C>A, p.Gln1589Lys (NM_001042723.2); short protein forms Q1589K.
Identifiers: ClinVar variation 3073337 (VCV003073337.1), dbSNP rs2514213549, ClinGen allele CA405650358.

ClinVar aggregate classification (germline): Uncertain significance (1 of 4 stars; one submission).

Conditions:
Malignant hyperthermia, susceptibility to, 1 (MHS1). Also called: Anesthesia related hyperthermia; Malignant hyperpyrexia; Fulminating hyperpyrexia; Pharmacogenic myopathy; RYR1-Related Malignant Hyperthermia Susceptibility; Malignant hyperthermia suceptibility 1. Identifiers: Orphanet 423, MedGen C2930980, MONDO:0007783, OMIM 145600.

Submission:

All of Us Research Program, National Institutes of Health
Classification: Uncertain significance for Malignant hyperthermia, susceptibility to, 1. Last evaluated: 2023-09-04. Review status: criteria provided, single submitter. Criteria: ACMG Guidelines, 2015. Collection method: clinical testing. Allele origin: germline. Inheritance: Autosomal dominant inheritance. Observed: 1 variant allele, 1 heterozygote.
Comment: This missense variant replaces glutamine with lysine at codon 1589 of the RYR1 protein. Computational prediction suggests that this variant may have deleterious impact on protein structure and function (internally defined REVEL score threshold >= 0.7, PMID: 27666373). To our knowledge, functional studies have not been reported for this variant. This variant has not been reported in individuals affected with RYR1-related disorders in the literature. This variant has not been identified in the general population by the Genome Aggregation Database (gnomAD). The available evidence is insufficient to determine the role of this variant in disease conclusively. Therefore, this variant is classified as a Variant of Uncertain Significance.

This study involves interpretation of variants in research participants for the purpose of population health screening. Participant phenotype was not available at the time of variant classification. Additional details can be found in publication PMID: 35346344, PMCID: PMC8962531